The following is an entry in ClinVar:

ClinVar aggregate classification (germline): Uncertain significance (1 of 4 stars; one submission).

Submission:

Ambry Genetics
Classification: Uncertain significance. Last evaluated: 2024-04-22. Review status: criteria provided, single submitter. Criteria: Ambry Variant Classification Scheme 2023. Collection method: clinical testing. Allele origin: germline.
Comment: The p.I1201T variant (also known as c.3602T>C), located in coding exon 17 of the NPAT gene, results from a T to C substitution at nucleotide position 3602. The isoleucine at codon 1201 is replaced by threonine, an amino acid with similar properties. This amino acid position is conserved. In addition, this alteration is predicted to be tolerated by in silico analysis. Based on the available evidence, the clinical significance of this variant remains unclear.

NM_002519.3(NPAT):c.3602T>C (p.Ile1201Thr)

Gene: NPAT (nuclear protein, coactivator of histone transcription; minus strand). Cytogenetic location: 11q22.3.
Variant type: single nucleotide variant.
Coding change: c.3602T>C on transcript NM_002519.3 (MANE Select); coding-DNA position 3602, T replaced by C.
Protein change: p.Ile1201Thr; replaces isoleucine 1201 with threonine.
Molecular consequence: missense variant.
Genome position (GRCh38, 1-based): chr11:108,161,484, A>G on the plus strand (T>C on the coding strand, the complement: NPAT is on the minus strand). VCF-style: chr11-108161484-A-G. GRCh37 (hg19) VCF-style: chr11-108032211-A-G.
Other names: c.3623T>C, p.Ile1208Thr (NM_001321307.1); short protein forms I1201T, I1208T.
Identifiers: ClinVar variation 3300674 (VCV003300674.1).
Genomic context (GRCh38, chr11:108,161,484, plus strand): 5'-AGTACATTTTTATTGTTTGAAGATGTGCCTTGTTTTTTGGTCATTTCTTGCAGTGAAGCT[A>G]TAGATTTCTCACTTCGCAAACCCCCATTTTGCTGCCCAATAGATAGTTTTGAATTTTCTG-3'
Protein context (NP_002510.2, residues 1191-1211): QNGGLRSEKS[Ile1201Thr]ASLQEMTKKQ